The following is an entry in ClinVar:

NM_001042681.2(RERE):c.1548A>G (p.Lys516=)

Gene: RERE (arginine-glutamic acid dipeptide repeats; minus strand). Cytogenetic location: 1p36.23.
Variant type: single nucleotide variant.
Coding change: c.1548A>G on transcript NM_001042681.2 (MANE Select); coding-DNA position 1548, A replaced by G.
Protein change: p.Lys516=; no amino-acid change (lysine 516 retained).
Molecular consequence: synonymous variant. On other transcripts: 5 prime UTR variant (1).
Genome position (GRCh38, 1-based): chr1:8,364,248, T>C on the plus strand (A>G on the coding strand, the complement: RERE is on the minus strand). VCF-style: chr1-8364248-T-C. GRCh37 (hg19) VCF-style: chr1-8424308-T-C.
Other names: c.-115A>G (NM_001042682.2); c.1548A>G, p.Lys516= (NM_012102.4).
Identifiers: ClinVar variation 1924500 (VCV001924500.29), dbSNP rs182683800, ClinGen allele CA571650.
Genomic context (GRCh38, chr1:8,364,248, plus strand): 5'-GAAGTGGATGCGACAGTCGGTGCAAAGCAGGATGTTCTCCCGGCCTCCGTGGTGCCAATC[T>C]TTGGAGGCTGTGTGAGGGAAGTGGTGGGGGCCAACCTTGGAAACCATCCCTCTCCCTGGG-3'
Protein context (NP_001036146.1, residues 506-526): ACRHCFTTTS[Lys516=]DWHHGGRENI

ClinVar aggregate classification (germline): Benign/Likely benign. Review status: criteria provided, multiple submitters, no conflicts (2 of 4 stars). 2 submissions from 2 submitters: Benign (1); Likely benign (1). Last evaluated 2025-03-27.

Allele frequency attached by ClinVar (database versions not stated): gnomAD exomes 0.00004; ExAC 0.00005; gnomAD 0.00013; TOPMed 0.00013.
gnomAD v4.1: 91 of 1,613,942 alleles (0.0056%); highest among the groups gnomAD compares: Admixed American, 0.06%; 1 homozygote.

Submissions (2):

Labcorp Genetics (formerly Invitae), Labcorp
Classification: Benign. Last evaluated: 2025-03-27. Review status: criteria provided, single submitter. Criteria: Invitae Variant Classification Sherloc (09022015). Collection method: clinical testing. Allele origin: germline.

CeGaT Center for Human Genetics Tuebingen
Classification: Likely benign. Last evaluated: 2022-10-01. Review status: criteria provided, single submitter. Criteria: CeGaT Center For Human Genetics Tuebingen Variant Classification Criteria Version 2. Collection method: clinical testing. Allele origin: germline. Affected: yes. Observed: 1 variant allele.
Comment: RERE: BP4, BP7